The following is an entry in ClinVar:

ClinVar aggregate classification (germline): Uncertain significance (1 of 4 stars; one submission).

Submission:

Labcorp Genetics (formerly Invitae), Labcorp
Classification: Uncertain significance. Last evaluated: 2021-12-19. Review status: criteria provided, single submitter. Criteria: Invitae Variant Classification Sherloc (09022015). Collection method: clinical testing. Allele origin: germline.
Comment: This variant has not been reported in the literature in individuals affected with LTBP2-related conditions. In summary, the available evidence is currently insufficient to determine the role of this variant in disease. Therefore, it has been classified as a Variant of Uncertain Significance. Algorithms developed to predict the effect of missense changes on protein structure and function are either unavailable or do not agree on the potential impact of this missense change (SIFT: "Deleterious"; PolyPhen-2: "Benign"; Align-GVGD: "Class C65"). This variant is not present in population databases (gnomAD no frequency). This sequence change replaces arginine, which is basic and polar, with glycine, which is neutral and non-polar, at codon 160 of the LTBP2 protein (p.Arg160Gly).

NM_000428.3(LTBP2):c.478C>G (p.Arg160Gly)

Gene: LTBP2 (latent transforming growth factor beta binding protein 2; minus strand). Cytogenetic location: 14q24.3.
Variant type: single nucleotide variant.
Coding change: c.478C>G on transcript NM_000428.3 (MANE Select); coding-DNA position 478, C replaced by G.
Protein change: p.Arg160Gly; replaces arginine 160 with glycine.
Molecular consequence: missense variant.
Genome position (GRCh38, 1-based): chr14:74,611,467, G>C on the plus strand (C>G on the coding strand, the complement: LTBP2 is on the minus strand). VCF-style: chr14-74611467-G-C. GRCh37 (hg19) VCF-style: chr14-75078170-G-C.
Other names: short protein forms R160G.
Identifiers: ClinVar variation 2048363 (VCV002048363.4), dbSNP rs748147917, ClinGen allele CA390387402.